The following is an entry in ClinVar:

ClinVar aggregate classification (germline): Likely benign (1 of 4 stars; one submission).

Allele frequency attached by ClinVar (database versions not stated): gnomAD exomes 0.00075; gnomAD 0.00804 and 0.00871; 1000 Genomes Project 0.00899; 1000 Genomes Project 30x 0.00953.
gnomAD v4.1: 2,169 of 1,353,722 alleles (0.16%); highest among the groups gnomAD compares: African/African-American, 2.7%; 31 homozygotes.

Submission:

GeneDx
Classification: Likely benign. Last evaluated: 2021-09-18. Review status: criteria provided, single submitter. Criteria: GeneDx Variant Classification Process June 2021. Collection method: clinical testing. Allele origin: germline. Affected: yes.
Comment: See Variant Classification Assertion Criteria.

NM_006946.4(SPTBN2):c.310-121G>A

Gene: SPTBN2 (spectrin beta, non-erythrocytic 2; minus strand). Cytogenetic location: 11q13.2.
Variant type: single nucleotide variant.
Coding change: c.310-121G>A on transcript NM_006946.4 (MANE Select); 121 bases into the intron before coding-DNA position 310, G replaced by A.
Molecular consequence: intron variant.
Genome position (GRCh38, 1-based): chr11:66,715,516, C>T on the plus strand (G>A on the coding strand, the complement: SPTBN2 is on the minus strand). VCF-style: chr11-66715516-C-T. GRCh37 (hg19) VCF-style: chr11-66482987-C-T.
Identifiers: ClinVar variation 1700462 (VCV001700462.2), dbSNP rs76318577, ClinGen allele CA224096557.
Genomic context (GRCh38, chr11:66,715,516, plus strand): 5'-TTCACAGGGCCCAGCTTTGCACACCTTCCCCATGACCTACCTCAGGAACACAGACAGGCA[C>T]AGCCCCAGGGCTGGAGCCAAAGCTGAGCTTACAGATGAGGCTTGGGCAGATTAAGATTCC-3'